The following is an entry in ClinVar:

ClinVar aggregate classification (germline): Uncertain significance (1 of 4 stars; one submission).

Submission:

Labcorp Genetics (formerly Invitae), Labcorp
Classification: Uncertain significance. Last evaluated: 2022-11-22. Review status: criteria provided, single submitter. Criteria: Invitae Variant Classification Sherloc (09022015). Collection method: clinical testing. Allele origin: germline.
Comment: This variant is not present in population databases (gnomAD no frequency). This variant has not been reported in the literature in individuals affected with RELA-related conditions. Algorithms developed to predict the effect of missense changes on protein structure and function (SIFT, PolyPhen-2, Align-GVGD) all suggest that this variant is likely to be tolerated. In summary, the available evidence is currently insufficient to determine the role of this variant in disease. Therefore, it has been classified as a Variant of Uncertain Significance. This sequence change replaces threonine, which is neutral and polar, with isoleucine, which is neutral and non-polar, at codon 308 of the RELA protein (p.Thr308Ile).

NM_021975.4(RELA):c.923C>T (p.Thr308Ile)

Gene: RELA (RELA proto-oncogene, NF-kB subunit; minus strand). Cytogenetic location: 11q13.1.
Variant type: single nucleotide variant.
Coding change: c.923C>T on transcript NM_021975.4 (MANE Select); coding-DNA position 923, C replaced by T.
Protein change: p.Thr308Ile; replaces threonine 308 with isoleucine.
Molecular consequence: missense variant.
Genome position (GRCh38, 1-based): chr11:65,655,890, G>A on the plus strand (C>T on the coding strand, the complement: RELA is on the minus strand). VCF-style: chr11-65655890-G-A. GRCh37 (hg19) VCF-style: chr11-65423361-G-A.
Other names: c.914C>T, p.Thr305Ile (NM_001145138.2); c.923C>T, p.Thr308Ile (NM_001243984.2, NM_001243985.2); c.956C>T, p.Thr319Ile (NM_001404657.1); c.896C>T, p.Thr299Ile (NM_001404658.1); c.710C>T, p.Thr237Ile (NM_001404659.1); c.605C>T, p.Thr202Ile (NM_001404660.1); c.542C>T, p.Thr181Ile (NM_001404661.1); c.830C>T, p.Thr277Ile (NM_001404662.1, NM_001404663.1); short protein forms T319I, T181I, T305I, T308I, T202I, T237I, T299I, T277I.
Identifiers: ClinVar variation 1962129 (VCV001962129.5), dbSNP rs1260736909, ClinGen allele CA381389678.